The following is an entry in ClinVar:

ClinVar aggregate classification (germline): Uncertain significance (1 of 4 stars; one submission).

Conditions:
Vici syndrome (VICIS). Identifiers: Orphanet 1493, MedGen C1855772, MONDO:0009452, OMIM 242840.

Allele frequency attached by ClinVar (database versions not stated): gnomAD 0.00001; gnomAD exomes 0.00001 and 0.00003; TOPMed 0.00002.
gnomAD v4.1: 43 of 1,614,140 alleles (0.0027%); highest among the groups gnomAD compares: Non-Finnish European, 0.0036%; no homozygotes.

Submission:

Labcorp Genetics (formerly Invitae), Labcorp
Classification: Uncertain significance for Vici syndrome. Last evaluated: 2021-09-21. Review status: criteria provided, single submitter. Criteria: Invitae Variant Classification Sherloc (09022015). Collection method: clinical testing. Allele origin: germline.
Comment: This sequence change replaces glutamine with arginine at codon 985 of the EPG5 protein (p.Gln985Arg). The glutamine residue is moderately conserved and there is a small physicochemical difference between glutamine and arginine. This variant is not present in population databases (ExAC no frequency). This variant has not been reported in the literature in individuals affected with EPG5-related conditions. Algorithms developed to predict the effect of missense changes on protein structure and function are either unavailable or do not agree on the potential impact of this missense change (SIFT: "Deleterious"; PolyPhen-2: "Benign"; Align-GVGD: "Class C0"). In summary, the available evidence is currently insufficient to determine the role of this variant in disease. Therefore, it has been classified as a Variant of Uncertain Significance.

NM_020964.3(EPG5):c.2954A>G (p.Gln985Arg)

Gene: EPG5 (ectopic P-granules 5 autophagy tethering factor; minus strand). Cytogenetic location: 18q21.1.
Variant type: single nucleotide variant.
Coding change: c.2954A>G on transcript NM_020964.3 (MANE Select); coding-DNA position 2954, A replaced by G.
Protein change: p.Gln985Arg; replaces glutamine 985 with arginine.
Molecular consequence: missense variant.
Genome position (GRCh38, 1-based): chr18:45,922,485, T>C on the plus strand (A>G on the coding strand, the complement: EPG5 is on the minus strand). VCF-style: chr18-45922485-T-C. GRCh37 (hg19) VCF-style: chr18-43502451-T-C.
Other names: short protein forms Q985R.
Identifiers: ClinVar variation 1399895 (VCV001399895.4), dbSNP rs1212093839, ClinGen allele CA402344277.